The following is an entry in ClinVar:

NM_001042492.3(NF1):c.3890T>A (p.Leu1297Gln)

Gene: NF1 (neurofibromin 1; plus strand). Cytogenetic location: 17q11.2.
Variant type: single nucleotide variant.
Coding change: c.3890T>A on transcript NM_001042492.3 (MANE Select); coding-DNA position 3890, T replaced by A.
Protein change: p.Leu1297Gln; replaces leucine 1297 with glutamine.
Molecular consequence: missense variant.
Genome position (GRCh38, 1-based): chr17:31,235,937, T>A. VCF-style: chr17-31235937-T-A. GRCh37 (hg19) VCF-style: chr17-29562955-T-A.
Other names: c.3890T>A, p.Leu1297Gln (NM_000267.4); short protein forms L1297Q.
Identifiers: ClinVar variation 3360307 (VCV003360307.3).
Genomic context (GRCh38, chr17:31,235,937, plus strand): 5'-TGGAGCAGGTATAATAAACTCCTATTCGTGCATTTCTGTAGGTATATGGTGCTACCTATC[T>A]ACAAAAACTCCTGGATCCTTTATTACGAATTGTGATCACATCCTCTGATTGGCAACATGT-3'
Protein context (NP_001035957.1, residues 1287-1307): FCFKVYGATY[Leu1297Gln]QKLLDPLLRI

ClinVar aggregate classification (germline): Uncertain significance. Review status: criteria provided, multiple submitters, no conflicts (2 of 4 stars). 2 submissions from 2 submitters: Uncertain significance (2). Last evaluated 2025-05-05.

Conditions:
Neurofibromatosis, type 1 (NF1). Also called: VON RECKLINGHAUSEN DISEASE; Peripheral type neurofibromatosis; Neurofibromatosis, type I; NEUROFIBROMATOSIS, TYPE I, SOMATIC. Identifiers: Orphanet 636, MedGen C0027831, MONDO:0018975, OMIM 162200. Disease mechanism: loss of function.

Submissions (2):

Labcorp Genetics (formerly Invitae), Labcorp
Classification: Uncertain significance for Neurofibromatosis, type 1. Last evaluated: 2025-05-05. Review status: criteria provided, single submitter. Criteria: Invitae Variant Classification Sherloc (09022015). Collection method: clinical testing. Allele origin: germline.
Comment: This sequence change replaces leucine, which is neutral and non-polar, with glutamine, which is neutral and polar, at codon 1297 of the NF1 protein (p.Leu1297Gln). This variant is not present in population databases (gnomAD no frequency). This variant has not been reported in the literature in individuals affected with NF1-related conditions. ClinVar contains an entry for this variant (Variation ID: 3360307). Invitae Evidence Modeling of protein sequence and biophysical properties (such as structural, functional, and spatial information, amino acid conservation, physicochemical variation, residue mobility, and thermodynamic stability) indicates that this missense variant is expected to disrupt NF1 protein function with a positive predictive value of 95%. In summary, the available evidence is currently insufficient to determine the role of this variant in disease. Therefore, it has been classified as a Variant of Uncertain Significance.

GeneDx
Classification: Uncertain significance. Last evaluated: 2023-06-23. Review status: criteria provided, single submitter. Criteria: GeneDx Variant Classification Process June 2021. Collection method: clinical testing. Allele origin: germline. Affected: yes.
Comment: Not observed at significant frequency in large population cohorts (gnomAD); In silico analysis supports that this missense variant has a deleterious effect on protein structure/function; Has not been previously published as pathogenic or benign to our knowledge; This variant is associated with the following publications: (PMID: 25486365, 22807134)